The following is an entry in ClinVar:

NM_002160.4(TNC):c.2239C>T (p.Arg747Trp)

Gene: TNC (tenascin C; minus strand). Cytogenetic location: 9q33.1.
Variant type: single nucleotide variant.
Coding change: c.2239C>T on transcript NM_002160.4 (MANE Select); coding-DNA position 2239, C replaced by T.
Protein change: p.Arg747Trp; replaces arginine 747 with tryptophan.
Molecular consequence: missense variant.
Genome position (GRCh38, 1-based): chr9:115,082,700, G>A on the plus strand (C>T on the coding strand, the complement: TNC is on the minus strand). VCF-style: chr9-115082700-G-A. GRCh37 (hg19) VCF-style: chr9-117844979-G-A.
Other names: short protein forms R747W.
Identifiers: ClinVar variation 1029565 (VCV001029565.4), dbSNP rs776411890, ClinGen allele CA198683037.
Genomic context (GRCh38, chr9:115,082,700, plus strand): 5'-TCATCTTTCAAATCCTTGAGATCAAATGGATCTGCTCTTTTGTACTCCTTACCATATTCC[G>A]GAAGATGATCTCCCAGGTTTCAAAAGCAATGTCTAGAGGATCCCACTCCACTTCCACAGA-3'
Protein context (NP_002151.2, residues 737-757): IAFETWEIIF[Arg747Trp]NMNKEDEGEI

ClinVar aggregate classification (germline): Uncertain significance. Review status: criteria provided, multiple submitters, no conflicts (2 of 4 stars). 3 submissions from 3 submitters: Uncertain significance (3). Last evaluated 2026-05-11.

Conditions:
Autosomal dominant nonsyndromic hearing loss 56. Also called: Deafness, autosomal dominant 56. Identifiers: Orphanet 90635, MedGen C3810170, MONDO:0014283, OMIM 615629.
TNC-related disorder. Also called: TNC-related condition.

Allele frequency attached by ClinVar (database versions not stated): gnomAD 0.00007; TOPMed 0.00012.

Submissions (3):

PreventionGenetics, part of Exact Sciences
Classification: Uncertain significance for TNC-related condition. Last evaluated: 2026-05-11. Review status: criteria provided, single submitter. Criteria: ACMG Guidelines, 2015. Collection method: clinical testing. Allele origin: germline.
Comment: The TNC c.2239C>T variant is predicted to result in the amino acid substitution p.Arg747Trp. To our knowledge, this variant has not been reported in the literature. This variant is reported in 0.0085% of alleles in individuals of Latino descent in gnomAD. At this time, the clinical significance of this variant is uncertain due to the absence of conclusive functional and genetic evidence.

Ambry Genetics
Classification: Uncertain significance. Last evaluated: 2022-04-25. Review status: criteria provided, single submitter. Criteria: Ambry Variant Classification Scheme 2023. Collection method: clinical testing. Allele origin: germline.

Baylor Genetics
Classification: Uncertain significance for Autosomal dominant nonsyndromic hearing loss 56. Last evaluated: 2019-09-25. Review status: criteria provided, single submitter. Criteria: ACMG Guidelines, 2015. Collection method: clinical testing. Allele origin: unknown. Affected: yes.
Comment: This variant was determined to be of uncertain significance according to ACMG Guidelines, 2015 [PMID:25741868].